The following is an entry in ClinVar:

ClinVar aggregate classification (germline): Uncertain significance (1 of 4 stars; one submission).

Conditions:
Early-infantile DEE. Also called: Early infantile epileptic encephalopathy; Ohtahara syndrome; Early infantile epileptic encephalopathy with suppression bursts. Identifiers: Orphanet 1934, MedGen C0393706, MONDO:0800491.

Submission:

Labcorp Genetics (formerly Invitae), Labcorp
Classification: Uncertain significance for Early-infantile DEE. Last evaluated: 2024-10-15. Review status: criteria provided, single submitter. Criteria: Invitae Variant Classification Sherloc (09022015). Collection method: clinical testing. Allele origin: germline.
Comment: This sequence change replaces isoleucine, which is neutral and non-polar, with methionine, which is neutral and non-polar, at codon 1271 of the SCN8A protein (p.Ile1271Met). This variant is not present in population databases (gnomAD no frequency). This variant has not been reported in the literature in individuals affected with SCN8A-related conditions. ClinVar contains an entry for this variant (Variation ID: 2047195). Invitae Evidence Modeling of protein sequence and biophysical properties (such as structural, functional, and spatial information, amino acid conservation, physicochemical variation, residue mobility, and thermodynamic stability) indicates that this missense variant is expected to disrupt SCN8A protein function with a positive predictive value of 95%. In summary, the available evidence is currently insufficient to determine the role of this variant in disease. Therefore, it has been classified as a Variant of Uncertain Significance.

NM_001330260.2(SCN8A):c.3813T>G (p.Ile1271Met)

Gene: SCN8A (sodium voltage-gated channel alpha subunit 8; plus strand). Cytogenetic location: 12q13.13.
Variant type: single nucleotide variant.
Coding change: c.3813T>G on transcript NM_001330260.2 (MANE Select); coding-DNA position 3813, T replaced by G.
Protein change: p.Ile1271Met; replaces isoleucine 1271 with methionine.
Molecular consequence: missense variant.
Genome position (GRCh38, 1-based): chr12:51,774,356, T>G. VCF-style: chr12-51774356-T-G. GRCh37 (hg19) VCF-style: chr12-52168140-T-G.
Other names: c.3813T>G, p.Ile1271Met (NM_001177984.3, NM_001369788.1, NM_014191.4); short protein forms I1271M.
Identifiers: ClinVar variation 2047195 (VCV002047195.4), dbSNP rs755700702, ClinGen allele CA384899864.